The following is an entry in ClinVar:

ClinVar aggregate classification (germline): Conflicting classifications of pathogenicity. Review status: criteria provided, conflicting classifications (1 of 4 stars). 3 submissions from 3 submitters: Likely pathogenic (2); Uncertain significance (1). Last evaluated 2026-06-04.

Conditions:
Polycystic kidney disease, adult type (PKD1). Also called: Polycystic Kidney, Autosomal Dominant; Polycystic Kidney Disease 1, Autosomal Dominant; Polycystic kidney disease 1; Polycystic kidney disease 1, severe; POLYCYSTIC KIDNEY DISEASE, ADULT, TYPE I; POLYCYSTIC KIDNEY DISEASE 1 WITH OR WITHOUT POLYCYSTIC LIVER DISEASE. Identifiers: MedGen C3149841, MONDO:0008263, OMIM 173900.
PKD1-related disorder. Also called: PKD1-related condition.

Submissions (3):

Victorian Clinical Genetics Services, Murdoch Childrens Research Institute
Classification: Likely pathogenic for Polycystic kidney disease, adult type. Last evaluated: 2026-06-04. Review status: criteria provided, single submitter. Criteria: ACMG Guidelines, 2015. Collection method: clinical testing. Allele origin: germline. Affected: yes.
Comment: This variant is classified as Likely pathogenic. Evidence in support of pathogenic classification: Variant is absent from gnomAD (v2, v3 and v4); This variant has moderate previous evidence of pathogenicity in unrelated individuals. This variant has been reported in unrelated individuals with ADPKD (PMID: 17582161, 31874800, VCGS cohort). It has also been classified as a VUS in ClinVar; This variant has moderate functional evidence supporting abnormal protein function. HEK293 cells transfected with this variant have been shown to have greatly reduced protein expression (PMID: 22333914); Variant is located in the well-established functional GAIN domain (PMID: 22333914, 23850273). This domain is known to be important for autoproteolysis, protein processing and trafficking to the membrane. There have been many ADPKD-associated PKD1 variants reported in the literature in this domain (PMID: 22333914, 23850273). Additional information: Variant is predicted to result in a missense amino acid change from Pro to Leu; This variant is heterozygous; This gene is associated with autosomal dominant disease. Polycystic kidney disease 1 (MIM#173900) is predominantly caused by monoallelic variants, with rare reports of biallelic variants causing disease (OMIM); No comparable missense variants have previous evidence for pathogenicity; Missense variant with inconclusive in silico prediction and/or uninformative conservation; Loss of function is a known mechanism of disease in this gene and is associated with polycystic kidney disease 1 (MIM#173900); Inheritance information for this variant is not currently available in this individual.

PreventionGenetics, part of Exact Sciences
Classification: Likely pathogenic for PKD1-related condition. Last evaluated: 2025-12-26. Review status: criteria provided, single submitter. Criteria: ACMG Guidelines, 2015. Collection method: clinical testing. Allele origin: germline.
Comment: The PKD1 c.8426C>T variant is predicted to result in the amino acid substitution p.Pro2809Leu. This variant was reported in individuals with autosomal dominant polycystic kidney disease (ADPKD) (Table 1B, Rossetti et al. 2007. PubMed ID: 17582161; reported as mosaic level 13.4% in Hopp et al. 2019. PubMed ID: 31874800). In addition, this variant has been found in two patients with cystic kidney disease at PreventionGenetics (internal data). This variant has not been reported in a large population database (gnomAD), indicating this variant is rare. This variant is interpreted as likely pathogenic.

GeneDx
Classification: Uncertain significance. Last evaluated: 2023-04-12. Review status: criteria provided, single submitter. Criteria: GeneDx Variant Classification Process June 2021. Collection method: clinical testing. Allele origin: germline. Affected: yes.
Comment: Not observed at significant frequency in large population cohorts (gnomAD); In silico analysis supports that this missense variant has a deleterious effect on protein structure/function; This variant is associated with the following publications: (PMID: 17582161, 31874800)

Literature cited by the submitters: PubMed 31874800 (cited by Victorian Clinical Genetics Services, Murdoch Childrens Research Institute); PubMed 23850273 (cited by Victorian Clinical Genetics Services, Murdoch Childrens Research Institute); PubMed 17582161 (cited by Victorian Clinical Genetics Services, Murdoch Childrens Research Institute); PubMed 22333914 (cited by Victorian Clinical Genetics Services, Murdoch Childrens Research Institute).

NM_001009944.3(PKD1):c.8426C>T (p.Pro2809Leu)

Gene: PKD1 (polycystin 1, transient receptor potential channel interacting; minus strand). Cytogenetic location: 16p13.3.
Variant type: single nucleotide variant.
Coding change: c.8426C>T on transcript NM_001009944.3 (MANE Select); coding-DNA position 8426, C replaced by T.
Protein change: p.Pro2809Leu; replaces proline 2809 with leucine.
Molecular consequence: missense variant.
Genome position (GRCh38, 1-based): chr16:2,103,631, G>A on the plus strand (C>T on the coding strand, the complement: PKD1 is on the minus strand). VCF-style: chr16-2103631-G-A. GRCh37 (hg19) VCF-style: chr16-2153632-G-A.
Other names: c.8426C>T, p.Pro2809Leu (NM_000296.4); short protein forms P2809L.
Identifiers: ClinVar variation 2662678 (VCV002662678.6), dbSNP rs2544744667, ClinGen allele CA394364041.